The following is an entry in ClinVar:

ClinVar aggregate classification (germline): Pathogenic. Review status: criteria provided, multiple submitters, no conflicts (2 of 4 stars). 4 submissions from 4 submitters: Pathogenic (3). 1 of the submissions does not count toward it. Last evaluated 2025-10-09.

Conditions:
Hemochromatosis type 3 (HFE3). Also called: TFR2-Related Hemochromatosis; HEMOCHROMATOSIS DUE TO DEFECT IN TRANSFERRIN RECEPTOR 2; Hereditary hemochromatosis type 3. Identifiers: Orphanet 225123, MedGen C1858664, MONDO:0011417, OMIM 604250.
Hereditary hemochromatosis (HFE). Identifiers: MedGen C0392514, MONDO:0006507. Disease mechanism: loss of function.

Allele frequency attached by ClinVar (database versions not stated): gnomAD exomes below 0.00001 and 0.00001; ExAC 0.00001; gnomAD 0.00001; TOPMed 0.00002.
gnomAD v4.1: 13 of 1,612,574 alleles (0.00081%); highest among the groups gnomAD compares: Admixed American, 0.0017%; no homozygotes.

Submissions (4):

Labcorp Genetics (formerly Invitae), Labcorp
Classification: Pathogenic for Hereditary hemochromatosis. Last evaluated: 2025-10-09. Review status: criteria provided, single submitter. Criteria: Invitae Variant Classification Sherloc (09022015). Collection method: clinical testing. Allele origin: germline.
Comment: This sequence change creates a premature translational stop signal (p.Arg396*) in the TFR2 gene. It is expected to result in an absent or disrupted protein product. Loss-of-function variants in TFR2 are known to be pathogenic (PMID: 23600741, 26029709). The frequency data for this variant in the population databases is considered unreliable, as metrics indicate poor data quality at this position in the gnomAD database. This premature translational stop signal has been observed in individual(s) with hemochromatosis (PMID: 16424658, 18450729). ClinVar contains an entry for this variant (Variation ID: 21362). For these reasons, this variant has been classified as Pathogenic.

Natera, Inc.
Classification: Pathogenic for Hereditary hemochromatosis type 3. Last evaluated: 2025-10-04. Review status: criteria provided, single submitter. Criteria: Natera Variant Classification Schema (03/2026). Collection method: clinical testing. Allele origin: germline.
Comment: The c.1186C>T variant in TFR2 is a nonsense variant predicted to introduce a stop codon at amino acid 396. This variant is expected to result in nonsense mediated decay, truncation, or a dysfunctional protein product. This variant is rare in the general population with a frequency below the threshold expected for the associated phenotype(s). This variant has been observed in one or more individuals affected with the associated recessive disease, as either homozygous or compound heterozygous with a second variant (PMID: 18450729). Given the available evidence, this variant is classified as Pathogenic.

Baylor Genetics
Classification: Pathogenic for Hemochromatosis type 3. Last evaluated: 2023-10-27. Review status: criteria provided, single submitter. Criteria: ACMG Guidelines, 2015. Collection method: clinical testing. Allele origin: unknown.

GeneReviews
No classification provided. Condition: Hemochromatosis type 3. Review status: no classification provided. Collection method: literature only. Allele origin: unknown. Not counted in ClinVar's aggregate classification.

Literature cited by the submitters: PubMed 23600741 (cited by Labcorp Genetics (formerly Invitae), Labcorp); PubMed 26029709 (cited by Labcorp Genetics (formerly Invitae), Labcorp); PubMed 16424658 (cited by Labcorp Genetics (formerly Invitae), Labcorp and GeneReviews); PubMed 18450729 (cited by Labcorp Genetics (formerly Invitae), Labcorp and Natera, Inc.); PubMed 20301523 (cited by GeneReviews); NCBI Bookshelf NBK1349 (cited by GeneReviews).

NM_003227.4(TFR2):c.1186C>T (p.Arg396Ter)

Gene: TFR2 (transferrin receptor 2; minus strand). Cytogenetic location: 7q22.1.
Variant type: single nucleotide variant.
Coding change: c.1186C>T on transcript NM_003227.4 (MANE Select); coding-DNA position 1186, C replaced by T.
Protein change: p.Arg396Ter; replaces arginine 396 with a stop codon.
Molecular consequence: nonsense.
Genome position (GRCh38, 1-based): chr7:100,630,973, G>A on the plus strand (C>T on the coding strand, the complement: TFR2 is on the minus strand). VCF-style: chr7-100630973-G-A. GRCh37 (hg19) VCF-style: chr7-100228596-G-A.
Other names: c.673C>T, p.Arg225Ter (NM_001206855.3); short protein forms R396*, R225*.
Identifiers: ClinVar variation 21362 (VCV000021362.17), dbSNP rs80338882, ClinGen allele CA341970.